The following is an entry in ClinVar:

ClinVar aggregate classification (germline): Uncertain significance (1 of 4 stars; one submission).

Conditions:
Gastrointestinal stromal tumor. Also called: Gastrointestinal stromal tumor, somatic; Gastrointestinal stroma tumor. Identifiers: Orphanet 44890, MedGen C0238198, MeSH D046152, MONDO:0011719, OMIM 606764, HP:0100723.

Allele frequency attached by ClinVar (database versions not stated): gnomAD exomes below 0.00001.
gnomAD v4.1: 1 of 1,614,232 alleles (0.000062%); highest among the groups gnomAD compares: Non-Finnish European, 0.000085%; no homozygotes.

Submission:

Labcorp Genetics (formerly Invitae), Labcorp
Classification: Uncertain significance for Gastrointestinal stromal tumor. Last evaluated: 2019-11-18. Review status: criteria provided, single submitter. Criteria: Invitae Variant Classification Sherloc (09022015). Collection method: clinical testing. Allele origin: germline.
Comment: This sequence change replaces glutamine with histidine at codon 79 of the KIT protein (p.Gln79His). The glutamine residue is weakly conserved and there is a small physicochemical difference between glutamine and histidine. In summary, the available evidence is currently insufficient to determine the role of this variant in disease. Therefore, it has been classified as a Variant of Uncertain Significance. Algorithms developed to predict the effect of missense changes on protein structure and function output the following: SIFT: "Tolerated"; PolyPhen-2: "Benign"; Align-GVGD: "Class C0". The histidine amino acid residue is found in multiple mammalian species, suggesting that this missense change does not adversely affect protein function. These predictions have not been confirmed by published functional studies and their clinical significance is uncertain. This variant has not been reported in the literature in individuals with KIT-related conditions. This variant is not present in population databases (ExAC no frequency).

NM_000222.3(KIT):c.237G>T (p.Gln79His)

Gene: KIT (KIT proto-oncogene, receptor tyrosine kinase; plus strand). Cytogenetic location: 4q12.
Variant type: single nucleotide variant.
Coding change: c.237G>T on transcript NM_000222.3 (MANE Select); coding-DNA position 237, G replaced by T.
Protein change: p.Gln79His; replaces glutamine 79 with histidine.
Molecular consequence: missense variant.
Genome position (GRCh38, 1-based): chr4:54,695,681, G>T. VCF-style: chr4-54695681-G-T. GRCh37 (hg19) VCF-style: chr4-55561847-G-T.
Other names: c.237G>T, p.Gln79His (NM_001093772.2, NM_001385284.1, NM_001385285.1 and 4 more transcripts); short protein forms Q79H.
Identifiers: ClinVar variation 838290 (VCV000838290.10), dbSNP rs1720015461, ClinGen allele CA356897134.